The following is an entry in ClinVar:

ClinVar aggregate classification (germline): Uncertain significance (1 of 4 stars; one submission).

Conditions:
Hemochromatosis type 4 (HFE4). Also called: HEMOCHROMATOSIS DUE TO DEFECT IN FERROPORTIN; HEMOCHROMATOSIS, AUTOSOMAL DOMINANT; Ferroportin disease. Identifiers: Orphanet 139491, Orphanet 647834, Orphanet 648562, MedGen C1853733, MONDO:0011631, OMIM 606069.

Allele frequency attached by ClinVar (database versions not stated): gnomAD exomes 0.00001; gnomAD 0.00007 and 0.00008.
gnomAD v4.1: 25 of 1,614,038 alleles (0.0015%); highest among the groups gnomAD compares: African/African-American, 0.033%; no homozygotes.

Submission:

Laboratorio de Genetica e Diagnostico Molecular, Hospital Israelita Albert Einstein
Classification: Uncertain significance for Hemochromatosis type 4. Last evaluated: 2022-01-28. Review status: criteria provided, single submitter. Criteria: ACMG Guidelines, 2015. Collection method: clinical testing. Allele origin: germline. Affected: yes.
Comment: ACMG classification criteria: BP4 supporting

NM_014585.6(SLC40A1):c.1606A>T (p.Ile536Phe)

Gene: SLC40A1 (solute carrier family 40 member 1; minus strand). Cytogenetic location: 2q32.2.
Variant type: single nucleotide variant.
Coding change: c.1606A>T on transcript NM_014585.6 (MANE Select); coding-DNA position 1606, A replaced by T.
Protein change: p.Ile536Phe; replaces isoleucine 536 with phenylalanine.
Molecular consequence: missense variant.
Genome position (GRCh38, 1-based): chr2:189,561,988, T>A on the plus strand (A>T on the coding strand, the complement: SLC40A1 is on the minus strand). VCF-style: chr2-189561988-T-A. GRCh37 (hg19) VCF-style: chr2-190426714-T-A.
Other names: short protein forms I536F.
Identifiers: ClinVar variation 1683663 (VCV001683663.2), dbSNP rs910343037, ClinGen allele CA62902757.